The following is an entry in ClinVar:

ClinVar aggregate classification (germline): Uncertain significance (1 of 4 stars; one submission).

Submission:

Ambry Genetics
Classification: Uncertain significance. Last evaluated: 2024-07-13. Review status: criteria provided, single submitter. Criteria: Ambry Variant Classification Scheme 2023. Collection method: clinical testing. Allele origin: germline.
Comment: The p.G524A variant (also known as c.1571G>C), located in coding exon 10 of the POLQ gene, results from a G to C substitution at nucleotide position 1571. The glycine at codon 524 is replaced by alanine, an amino acid with similar properties. This amino acid position is conserved. In addition, this alteration is predicted to be tolerated by in silico analysis. Since supporting evidence is limited at this time, the clinical significance of this alteration remains unclear.

NM_199420.4(POLQ):c.1571G>C (p.Gly524Ala)

Gene: POLQ (DNA polymerase theta; minus strand). Cytogenetic location: 3q13.33.
Variant type: single nucleotide variant.
Coding change: c.1571G>C on transcript NM_199420.4 (MANE Select); coding-DNA position 1571, G replaced by C.
Protein change: p.Gly524Ala; replaces glycine 524 with alanine.
Molecular consequence: missense variant.
Genome position (GRCh38, 1-based): chr3:121,511,927, C>G on the plus strand (G>C on the coding strand, the complement: POLQ is on the minus strand). VCF-style: chr3-121511927-C-G. GRCh37 (hg19) VCF-style: chr3-121230774-C-G.
Other names: short protein forms G524A.
Identifiers: ClinVar variation 1775517 (VCV001775517.3), dbSNP rs2048258412, ClinGen allele CA354116072.